The following is an entry in ClinVar:

NM_147127.5(EVC2):c.3659+2T>C

Gene: EVC2 (EvC ciliary complex subunit 2; minus strand). Cytogenetic location: 4p16.2.
Variant type: single nucleotide variant.
Coding change: c.3659+2T>C on transcript NM_147127.5 (MANE Select); the canonical splice donor site of the intron after coding-DNA position 3659, T replaced by C.
Molecular consequence: splice donor variant.
Genome position (GRCh38, 1-based): chr4:5,565,256, A>G on the plus strand (T>C on the coding strand, the complement: EVC2 is on the minus strand). VCF-style: chr4-5565256-A-G. GRCh37 (hg19) VCF-style: chr4-5566983-A-G.
Other names: c.3419+2T>C (NM_001166136.2).
Identifiers: ClinVar variation 348980 (VCV000348980.29), dbSNP rs200300612, ClinGen allele CA2834238.

ClinVar aggregate classification (germline): Pathogenic/Likely pathogenic. Review status: criteria provided, multiple submitters, no conflicts (2 of 4 stars). 8 submissions from 8 submitters: Pathogenic (4); Likely pathogenic (2). 2 of the submissions do not count toward it. Last evaluated 2026-02-27.

Conditions:
Ellis-van Creveld syndrome (EVC). Also called: EVC-Related Ellis-van Creveld Syndrome; EVC2-Related Ellis-van Creveld Syndrome; MESOECTODERMAL DYSPLASIA; Chondroectodermal dysplasia. Identifiers: Orphanet 289, MedGen C0013903, MONDO:0009162, OMIM 225500.
Curry-Hall syndrome (WAD). Also called: WEYERS ACRODENTAL DYSOSTOSIS. Identifiers: Orphanet 952, MedGen C0457013, MONDO:0008673, OMIM 193530.
EVC2-related disorder. Also called: EVC2-related condition.

Allele frequency attached by ClinVar (database versions not stated): TOPMed 0.00001; ExAC 0.00003; gnomAD 0.00003; gnomAD exomes 0.00003 and 0.00006.
gnomAD v4.1: 95 of 1,613,144 alleles (0.0059%); highest among the groups gnomAD compares: Non-Finnish European, 0.0079%; no homozygotes.

Submissions (8):

GeneDx
Classification: Pathogenic. Last evaluated: 2026-02-27. Review status: criteria provided, single submitter. Criteria: GeneDx Variant Classification Process June 2021. Collection method: clinical testing. Allele origin: germline. Affected: yes.
Comment: Canonical splice site variant expected to result in aberrant splicing, although in the absence of functional evidence the actual effect of this sequence change is unknown.; This variant is associated with the following publications: (PMID: 25525159, 19876929, 23220543, 19251731, 17024374, 31589614, 35927022)

Labcorp Genetics (formerly Invitae), Labcorp
Classification: Pathogenic for Curry-Hall syndrome; Ellis-van Creveld syndrome. Last evaluated: 2025-12-31. Review status: criteria provided, single submitter. Criteria: Invitae Variant Classification Sherloc (09022015). Collection method: clinical testing. Allele origin: germline.
Comment: This sequence change affects a donor splice site in intron 21 of the EVC2 gene. While this variant is not anticipated to result in nonsense mediated decay, it likely alters RNA splicing and results in a disrupted protein product. This variant is present in population databases (rs200300612, gnomAD 0.006%). Disruption of this splice site has been observed in individuals with Ellis-van Creveld syndrome (PMID: 17024374, 23220543; internal data). ClinVar contains an entry for this variant (Variation ID: 348980). Variants that disrupt the consensus splice site are a relatively common cause of aberrant splicing (PMID: 17576681, 9536098). Algorithms developed to predict the effect of sequence changes on RNA splicing suggest that this variant may disrupt the consensus splice site. This variant disrupts a region of the EVC2 protein in which other variant(s) (p.Ser1220Argfs*3) have been determined to be pathogenic (PMID: 12571802, 17024374, 19810119, 23220543). This suggests that this is a clinically significant region of the protein, and that variants that disrupt it are likely to be disease-causing. For these reasons, this variant has been classified as Pathogenic.

Women's Health and Genetics/Laboratory Corporation of America, LabCorp
Classification: Pathogenic for Ellis-van Creveld syndrome. Last evaluated: 2025-09-16. Review status: criteria provided, single submitter. Criteria: LabCorp Variant Classification Summary - May 2015. Collection method: clinical testing. Allele origin: germline.
Comment: Variant summary: EVC2 c.3659+2T>C is located in a canonical splice-site and is predicted to affect mRNA splicing resulting in a significantly altered protein due to either exon skipping, shortening, or inclusion of intronic material. Variants that disrupt the consensus splice site are a relatively common cause of aberrant splicing and loss of EVC2 function. Several computational tools predict a significant impact on normal splicing: Three predict the variant abolishes a canonical 5' splicing donor site. However, these predictions have yet to be confirmed by functional studies. The variant allele was found at a frequency of 3.2e-05 in 251470 control chromosomes. c.3659+2T>C has been observed in individual(s) affected with Ellis-van Creveld syndrome(examples: Abert-Mucca_2023, Dasdia_2013, Tompson_2007). These data indicate that the variant is likely to be associated with disease. The following publications have been ascertained in the context of this evaluation (PMID: 35927022, 17024374, 23220543). ClinVar contains an entry for this variant (Variation ID: 348980). Based on the evidence outlined above, the variant was classified as pathogenic.

Fulgent Genetics
Classification: Likely pathogenic for Curry-Hall syndrome; Ellis-van Creveld syndrome. Last evaluated: 2024-01-30. Review status: criteria provided, single submitter. Criteria: ACMG Guidelines, 2015. Collection method: clinical testing. Allele origin: germline.

Revvity Omics, Revvity
Classification: Pathogenic. Last evaluated: 2020-03-24. Review status: criteria provided, single submitter. Criteria: ACMG Guidelines, 2015. Collection method: clinical testing. Allele origin: germline.

Illumina Laboratory Services, Illumina
Classification: Likely pathogenic for Ellis-van Creveld syndrome. Last evaluated: 2016-09-18. Review status: criteria provided, single submitter. Criteria: ICSL Variant Classification Criteria 09 May 2019. Collection method: clinical testing. Allele origin: germline.
Comment: The EVC2 c.3659+2T>C variant, also known as IVS21+2T>C, occurs in a canonical splice donor site and is therefore predicted to disrupt or distort the normal gene product. The variant has been reported in three studies in which it is found in a total of three individuals with Ellis-van Creveld syndrome, all in a compound heterozygous state with truncating variants on the second allele (Tompson et al. 2007; Sund et al. 2009; D'Asdia et al. 2013). The c.3659+2T>C variant was absent from 400 control chromosomes and is reported at a frequency of 0.00006 in the European (non-Finnish) population of the Exome Aggregation Consortium. Based on the evidence and the potential impact of splice donor variants, the c.3659+2T>C variant is classified as likely pathogenic for Ellis-van Creveld syndrome. This variant was observed by ICSL as part of a predisposition screen in an ostensibly healthy population.

PreventionGenetics, part of Exact Sciences
Classification: Pathogenic for EVC2-related condition. Last evaluated: 2023-12-30. Review status: no assertion criteria provided. Collection method: clinical testing. Allele origin: germline. Not counted in ClinVar's aggregate classification.
Comment: The EVC2 c.3659+2T>C variant is predicted to disrupt the GT donor site and interfere with normal splicing. This variant has been reported in multiple individuals with Ellis-van Creveld syndrome (Tompson et al. 2007. PubMed ID: 17024374; Sund et al. 2009. PubMed ID: 19251731; D'Asdia et al. 2013. PubMed ID: 23220543). This variant is reported in 0.0070% of alleles in individuals of European (Non-Finnish) descent in gnomAD. Variants that disrupt the consensus splice donor site in EVC2 are expected to be pathogenic. This variant is interpreted as pathogenic.

Counsyl
Classification: Pathogenic for Ellis-van Creveld syndrome. Last evaluated: 2017-02-13. Review status: no assertion criteria provided. Collection method: clinical testing. Allele origin: unknown. Not counted in ClinVar's aggregate classification.

Literature cited by the submitters: PubMed 17024374 (cited by 4 submitters); PubMed 23220543 (cited by 4 submitters); PubMed 17576681 (cited by Labcorp Genetics (formerly Invitae), Labcorp); PubMed 9536098 (cited by Labcorp Genetics (formerly Invitae), Labcorp); PubMed 12571802 (cited by Labcorp Genetics (formerly Invitae), Labcorp); PubMed 19810119 (cited by Labcorp Genetics (formerly Invitae), Labcorp); PubMed 35927022 (cited by Women's Health and Genetics/Laboratory Corporation of America, LabCorp); PubMed 19251731 (cited by Illumina Laboratory Services, Illumina).